The following is an entry in ClinVar:

ClinVar aggregate classification (germline): Uncertain significance (1 of 4 stars; one submission).

Conditions:
Diamond-Blackfan anemia 8 (DBA8). Also called: RPS7-Related Diamond-Blackfan Anemia. Identifiers: Orphanet 124, MedGen C2675511, MONDO:0012939, OMIM 612563.

Submission:

Labcorp Genetics (formerly Invitae), Labcorp
Classification: Uncertain significance for Diamond-Blackfan anemia 8. Last evaluated: 2026-02-03. Review status: criteria provided, single submitter. Criteria: Invitae Variant Classification Sherloc (09022015). Collection method: clinical testing. Allele origin: germline.
Comment: This sequence change replaces leucine, which is neutral and non-polar, with arginine, which is basic and polar, at codon 28 of the RPS7 protein (p.Leu28Arg). This variant is not present in population databases (gnomAD no frequency). This variant has not been reported in the literature in individuals affected with RPS7-related conditions. An algorithm developed to predict the effect of missense changes on protein structure and function (PolyPhen-2) suggests that this variant is likely to be disruptive. In summary, the available evidence is currently insufficient to determine the role of this variant in disease. Therefore, it has been classified as a Variant of Uncertain Significance.

NM_001011.4(RPS7):c.83T>G (p.Leu28Arg)

Gene: RPS7 (ribosomal protein S7; plus strand). Cytogenetic location: 2p25.3.
Variant type: single nucleotide variant.
Coding change: c.83T>G on transcript NM_001011.4 (MANE Select); coding-DNA position 83, T replaced by G.
Protein change: p.Leu28Arg; replaces leucine 28 with arginine.
Molecular consequence: missense variant.
Genome position (GRCh38, 1-based): chr2:3,575,824, T>G. VCF-style: chr2-3575824-T-G. GRCh37 (hg19) VCF-style: chr2-3623414-T-G.
Other names: short protein forms L28R.
Identifiers: ClinVar variation 4748331 (VCV004748331.1).